The following is an entry in ClinVar:

NM_015338.6(ASXL1):c.1367C>T (p.Thr456Ile)

Gene: ASXL1 (ASXL transcriptional regulator 1; plus strand). Cytogenetic location: 20q11.21.
Variant type: single nucleotide variant.
Coding change: c.1367C>T on transcript NM_015338.6 (MANE Select); coding-DNA position 1367, C replaced by T.
Protein change: p.Thr456Ile; replaces threonine 456 with isoleucine.
Molecular consequence: missense variant.
Genome position (GRCh38, 1-based): chr20:32,433,565, C>T. VCF-style: chr20-32433565-C-T. GRCh37 (hg19) VCF-style: chr20-31021368-C-T.
Other names: c.1184C>T, p.Thr395Ile (NM_001363734.1); c.1367C>T (NM_015338.5); short protein forms T395I, T456I.
Identifiers: ClinVar variation 1472001 (VCV001472001.9), dbSNP rs747475412, ClinGen allele CA9808340.

ClinVar aggregate classification (germline): Conflicting classifications of pathogenicity. Review status: criteria provided, conflicting classifications (1 of 4 stars). 2 submissions from 2 submitters: Uncertain significance (1); Likely benign (1). Last evaluated 2025-11-10.

Conditions:
Inborn genetic diseases. Identifiers: MedGen C0950123, MeSH D030342.

Allele frequency attached by ClinVar (database versions not stated): ExAC 0.00001; gnomAD 0.00001; gnomAD exomes 0.00001 and 0.00002; TOPMed 0.00001.
gnomAD v4.1: 24 of 1,614,048 alleles (0.0015%); highest among the groups gnomAD compares: Middle Eastern, 0.033%; no homozygotes.

Submissions (2):

Ambry Genetics
Classification: Likely benign for Inborn genetic diseases. Last evaluated: 2025-11-10. Review status: criteria provided, single submitter. Criteria: Ambry Variant Classification Scheme 2023. Collection method: clinical testing. Allele origin: germline.

Labcorp Genetics (formerly Invitae), Labcorp
Classification: Uncertain significance. Last evaluated: 2024-04-01. Review status: criteria provided, single submitter. Criteria: Invitae Variant Classification Sherloc (09022015). Collection method: clinical testing. Allele origin: germline.
Comment: This sequence change replaces threonine, which is neutral and polar, with isoleucine, which is neutral and non-polar, at codon 456 of the ASXL1 protein (p.Thr456Ile). This variant is present in population databases (rs747475412, gnomAD 0.002%). This variant has not been reported in the literature in individuals affected with ASXL1-related conditions. ClinVar contains an entry for this variant (Variation ID: 1472001). An algorithm developed to predict the effect of missense changes on protein structure and function (PolyPhen-2) suggests that this variant is likely to be tolerated. In summary, the available evidence is currently insufficient to determine the role of this variant in disease. Therefore, it has been classified as a Variant of Uncertain Significance.